The following is an entry in ClinVar:

ClinVar aggregate classification (germline): Pathogenic (1 of 4 stars; one submission).

Conditions:
Tumor predisposition syndrome 3 (TPDS3). Also called: Melanoma, cutaneous malignant, susceptibility to, 10; Glioma susceptibility 9; LONG TELOMERE SYNDROME, POT1-RELATED; POT1 Tumor Predisposition. Identifiers: Orphanet 618, MedGen C4014476, MONDO:0014368, OMIM 615848.

Submission:

Labcorp Genetics (formerly Invitae), Labcorp
Classification: Pathogenic for Tumor predisposition syndrome 3. Last evaluated: 2022-06-28. Review status: criteria provided, single submitter. Criteria: Invitae Variant Classification Sherloc (09022015). Collection method: clinical testing. Allele origin: germline.
Comment: This sequence change creates a premature translational stop signal (p.Trp524*) in the POT1 gene. RNA analysis indicates that this premature translational stop signal induces altered splicing and may result in an absent or disrupted protein product. This variant is not present in population databases (gnomAD no frequency). This variant has not been reported in the literature in individuals affected with POT1-related conditions. Studies have shown this premature translational stop signal is associated with skipping of exon 16, but one or more of the resulting mRNA isoform(s) may be naturally occurring (Invitae). For these reasons, this variant has been classified as Pathogenic.

NM_015450.3(POT1):c.1571G>A (p.Trp524Ter)

Gene: POT1 (protection of telomeres 1; minus strand). Cytogenetic location: 7q31.33.
Variant type: single nucleotide variant.
Coding change: c.1571G>A on transcript NM_015450.3 (MANE Select); coding-DNA position 1571, G replaced by A.
Protein change: p.Trp524Ter; replaces tryptophan 524 with a stop codon.
Molecular consequence: nonsense. On other transcripts: non-coding transcript variant (2).
Genome position (GRCh38, 1-based): chr7:124,829,277, C>T on the plus strand (G>A on the coding strand, the complement: POT1 is on the minus strand). VCF-style: chr7-124829277-C-T. GRCh37 (hg19) VCF-style: chr7-124469331-C-T.
Other names: c.1178G>A, p.Trp393Ter (NM_001042594.2); short protein forms W393*, W524*.
Identifiers: ClinVar variation 2011746 (VCV002011746.4), dbSNP rs2485352489, ClinGen allele CA369064392.